The following is an entry in ClinVar:

NM_000214.3(JAG1):c.700T>A (p.Cys234Ser)

Gene: JAG1 (jagged canonical Notch ligand 1; minus strand). Cytogenetic location: 20p12.2.
Variant type: single nucleotide variant.
Coding change: c.700T>A on transcript NM_000214.3 (MANE Select); coding-DNA position 700, T replaced by A.
Protein change: p.Cys234Ser; replaces cysteine 234 with serine.
Molecular consequence: missense variant.
Genome position (GRCh38, 1-based): chr20:10,656,453, A>T on the plus strand (T>A on the coding strand, the complement: JAG1 is on the minus strand). VCF-style: chr20-10656453-A-T. GRCh37 (hg19) VCF-style: chr20-10637101-A-T.
Other names: c.700T>A, p.Cys234Ser (LRG_1191t1); short protein forms C234S.
Identifiers: ClinVar variation 536532 (VCV000536532.9), dbSNP rs1555829415, ClinGen allele CA408239859.

ClinVar aggregate classification (germline): Likely pathogenic (1 of 4 stars; one submission).

Conditions:
Alagille syndrome due to a JAG1 point mutation. Also called: HEPATIC DUCTULAR HYPOPLASIA, SYNDROMATIC; JAG1-Related Alagille Syndrome; Alagille Syndrome 1. Identifiers: Orphanet 261619, Orphanet 52, MedGen C1956125, MONDO:0016862, OMIM 118450.

Submission:

Labcorp Genetics (formerly Invitae), Labcorp
Classification: Likely pathogenic for Alagille syndrome due to a JAG1 point mutation. Last evaluated: 2019-12-15. Review status: criteria provided, single submitter. Criteria: Invitae Variant Classification Sherloc (09022015). Collection method: clinical testing. Allele origin: germline.
Comment: In summary, the currently available evidence indicates that the variant is pathogenic, but additional data are needed to prove that conclusively. Therefore, this variant has been classified as Likely Pathogenic. This variant disrupts the p.Cys234 amino acid residue in JAG1. Other variant(s) that disrupt this residue have been determined to be pathogenic (PMID: 20437614, 12022040). This suggests that this residue is clinically significant, and that variants that disrupt this residue are likely to be disease-causing. This sequence change replaces cysteine with serine at codon 234 of the JAG1 protein (p.Cys234Ser). The cysteine residue is highly conserved and there is a moderate physicochemical difference between cysteine and serine. This variant is not present in population databases (ExAC no frequency). This variant has not been reported in the literature in individuals with JAG1-related conditions. Advanced modeling of protein sequence and biophysical properties (such as structural, functional, and spatial information, amino acid conservation, physicochemical variation, residue mobility, and thermodynamic stability) performed at Invitae indicates that this missense variant is expected to disrupt JAG1 protein function.

Literature cited by the submitters: PubMed 20437614; PubMed 12022040.